The following is an entry in ClinVar:

ClinVar aggregate classification (germline): Uncertain significance (1 of 4 stars; one submission).

Allele frequency attached by ClinVar (database versions not stated): gnomAD exomes 0.00001.
gnomAD v4.1: 3 of 1,613,896 alleles (0.00019%); highest among the groups gnomAD compares: Admixed American, 0.005%; no homozygotes.

Submission:

Labcorp Genetics (formerly Invitae), Labcorp
Classification: Uncertain significance. Last evaluated: 2023-12-06. Review status: criteria provided, single submitter. Criteria: Invitae Variant Classification Sherloc (09022015). Collection method: clinical testing. Allele origin: germline.
Comment: This sequence change replaces proline, which is neutral and non-polar, with arginine, which is basic and polar, at codon 1391 of the CDK13 protein (p.Pro1391Arg). This variant is present in population databases (no rsID available, gnomAD 0.006%). This variant has not been reported in the literature in individuals affected with CDK13-related conditions. ClinVar contains an entry for this variant (Variation ID: 1995836). Advanced modeling of protein sequence and biophysical properties (such as structural, functional, and spatial information, amino acid conservation, physicochemical variation, residue mobility, and thermodynamic stability) performed at Invitae indicates that this missense variant is not expected to disrupt CDK13 protein function with a negative predictive value of 95%. In summary, the available evidence is currently insufficient to determine the role of this variant in disease. Therefore, it has been classified as a Variant of Uncertain Significance.

NM_003718.5(CDK13):c.4172C>G (p.Pro1391Arg)

Gene: CDK13 (cyclin dependent kinase 13; plus strand). Cytogenetic location: 7p14.1.
Variant type: single nucleotide variant.
Coding change: c.4172C>G on transcript NM_003718.5 (MANE Select); coding-DNA position 4172, C replaced by G.
Protein change: p.Pro1391Arg; replaces proline 1391 with arginine.
Molecular consequence: missense variant.
Genome position (GRCh38, 1-based): chr7:40,094,613, C>G. VCF-style: chr7-40094613-C-G. GRCh37 (hg19) VCF-style: chr7-40134212-C-G.
Other names: c.3992C>G, p.Pro1331Arg (NM_031267.4); short protein forms P1391R, P1331R.
Identifiers: ClinVar variation 1995836 (VCV001995836.4), dbSNP rs1210437451, ClinGen allele CA367296593.